The following is an entry in ClinVar:

NM_001197104.2(KMT2A):c.3974G>A (p.Ser1325Asn)

Gene: KMT2A (lysine methyltransferase 2A; plus strand). Cytogenetic location: 11q23.3.
Variant type: single nucleotide variant.
Coding change: c.3974G>A on transcript NM_001197104.2 (MANE Select); coding-DNA position 3974, G replaced by A.
Protein change: p.Ser1325Asn; replaces serine 1325 with asparagine.
Molecular consequence: missense variant.
Genome position (GRCh38, 1-based): chr11:118,482,054, G>A. VCF-style: chr11-118482054-G-A. GRCh37 (hg19) VCF-style: chr11-118352769-G-A.
Other names: c.3974G>A, p.Ser1325Asn (NM_005933.4); short protein forms S1325N.
Identifiers: ClinVar variation 738824 (VCV000738824.38), dbSNP rs149404438, ClinGen allele CA6303755.

ClinVar aggregate classification (germline): Benign/Likely benign. Review status: criteria provided, multiple submitters, no conflicts (2 of 4 stars). 6 submissions from 6 submitters: Benign (2); Likely benign (3). 1 of the submissions does not count toward it. Last evaluated 2026-05-01.

Conditions:
Inborn genetic diseases. Identifiers: MedGen C0950123, MeSH D030342.
KMT2A-related disorder. Also called: KMT2A-related condition.

Allele frequency attached by ClinVar (database versions not stated): 1000 Genomes Project 30x 0.00016; 1000 Genomes Project 0.00020; gnomAD exomes 0.00090 and 0.00139; ExAC 0.00095; TOPMed 0.00095; gnomAD 0.00096 and 0.00097; ESP Exome Variant Server 0.00115.
gnomAD v4.1: 2,140 of 1,612,354 alleles (0.13%); highest among the groups gnomAD compares: Non-Finnish European, 0.17%; no homozygotes.

Submissions (6):

CeGaT Center for Human Genetics Tuebingen
Classification: Likely benign. Last evaluated: 2026-05-01. Review status: criteria provided, single submitter. Criteria: CeGaT Center For Human Genetics Tuebingen Variant Classification Criteria Version 2. Collection method: clinical testing. Allele origin: germline. Affected: yes. Observed: 16 variant alleles.
Comment: KMT2A: BS1

Labcorp Genetics (formerly Invitae), Labcorp
Classification: Likely benign. Last evaluated: 2026-02-03. Review status: criteria provided, single submitter. Criteria: Invitae Variant Classification Sherloc (09022015). Collection method: clinical testing. Allele origin: germline.

Blueprint Genetics
Classification: Likely benign. Last evaluated: 2024-11-01. Review status: criteria provided, single submitter. Criteria: ACMG Guidelines, 2015. Collection method: clinical testing. Allele origin: germline.

Ambry Genetics
Classification: Benign for Inborn genetic diseases. Last evaluated: 2023-02-23. Review status: criteria provided, single submitter. Criteria: Ambry Variant Classification Scheme 2023. Collection method: clinical testing. Allele origin: germline.

GeneDx
Classification: Benign. Last evaluated: 2020-01-16. Review status: criteria provided, single submitter. Criteria: GeneDx Variant Classification Process June 2021. Collection method: clinical testing. Allele origin: germline. Affected: yes.
Comment: This variant is associated with the following publications: (PMID: 32859249)

PreventionGenetics, part of Exact Sciences
Classification: Likely benign for KMT2A-related condition. Last evaluated: 2020-12-22. Review status: no assertion criteria provided. Collection method: clinical testing. Allele origin: germline. Not counted in ClinVar's aggregate classification.
Comment: This variant is classified as likely benign based on ACMG/AMP sequence variant interpretation guidelines (Richards et al. 2015 PMID: 25741868, with internal and published modifications).